The following is an entry in ClinVar:

NM_001127671.2(LIFR):c.2167+5G>A

Gene: LIFR (LIF receptor subunit alpha; minus strand). Cytogenetic location: 5p13.1.
Variant type: single nucleotide variant.
Coding change: c.2167+5G>A on transcript NM_001127671.2 (MANE Select); 5 bases into the intron after coding-DNA position 2167, G replaced by A.
Molecular consequence: intron variant.
Genome position (GRCh38, 1-based): chr5:38,490,185, C>T on the plus strand (G>A on the coding strand, the complement: LIFR is on the minus strand). VCF-style: chr5-38490185-C-T. GRCh37 (hg19) VCF-style: chr5-38490287-C-T.
Other names: c.2167+5G>A (NM_002310.6, NM_001364298.2, NM_001364297.2).
Identifiers: ClinVar variation 1213331 (VCV001213331.5), dbSNP rs1377181323, ClinGen allele CA559047143.
Genomic context (GRCh38, chr5:38,490,185, plus strand): 5'-TGTTGCCAATTTATAATTTCTCATGTTGCCTTGAGCTCTTATAAATAAGTACCCATTTAA[C>T]TTACCCAATTCTTCTATATATCCAATCATGGAGCGTAATAATTGATATCCTTGATTTCTG-3'

ClinVar aggregate classification (germline): Uncertain significance (1 of 4 stars; one submission).

Allele frequency attached by ClinVar (database versions not stated): gnomAD exomes below 0.00001.
gnomAD v4.1: 2 of 1,368,438 alleles (0.00015%); highest among the groups gnomAD compares: Middle Eastern, 0.018%; no homozygotes.

Submission:

GeneDx
Classification: Uncertain significance. Last evaluated: 2022-08-23. Review status: criteria provided, single submitter. Criteria: GeneDx Variant Classification Process June 2021. Collection method: clinical testing. Allele origin: germline. Affected: yes.
Comment: Intronic +5 splice site variant in a gene for which loss of function is a known mechanism of disease, and both splice predictors and evolutionary conservation support a deleterious effect, although in the absence of functional evidence the actual effect of this sequence change is unknown.; Not observed at a significant frequency in large population cohorts (gnomAD); Has not been previously published as pathogenic or benign to our knowledge